The following is an entry in ClinVar:

NM_012309.5(SHANK2):c.2333C>G (p.Ala778Gly)

Gene: SHANK2 (SH3 and multiple ankyrin repeat domains 2; minus strand). Cytogenetic location: 11q13.3.
Variant type: single nucleotide variant.
Coding change: c.2333C>G on transcript NM_012309.5 (MANE Select); coding-DNA position 2333, C replaced by G.
Protein change: p.Ala778Gly; replaces alanine 778 with glycine.
Molecular consequence: missense variant. On other transcripts: non-coding transcript variant (1).
Genome position (GRCh38, 1-based): chr11:70,492,441, G>C on the plus strand (C>G on the coding strand, the complement: SHANK2 is on the minus strand). VCF-style: chr11-70492441-G-C. GRCh37 (hg19) VCF-style: chr11-70338546-G-C.
Other names: c.1196C>G, p.Ala399Gly (NM_001379226.1); c.569C>G, p.Ala190Gly (NM_133266.5); short protein forms A778G, A190G, A399G.
Identifiers: ClinVar variation 560278 (VCV000560278.3), dbSNP rs1555156140, ClinGen allele CA381691684.
Genomic context (GRCh38, chr11:70,492,441, plus strand): 5'-TTGATGGTCGCCACCCTCGGTTCCACAGCCATGTTCTCAGCAGCGCGGGAGGGCTTGGAG[G>C]CCGGGACTATCTCCTCGGGTTTATCTGCAATAGAACCGTGAGGATTGGAGCAGCAACACC-3'
Protein context (NP_036441.2, residues 768-788): KKDKPEEIVP[Ala778Gly]SKPSRAAENM

ClinVar aggregate classification (germline): Uncertain significance (1 of 4 stars; one submission).

Conditions:
Autism, susceptibility to, 17. Also called: Autism susceptibility 17. Identifiers: MedGen C3150693, MONDO:0013265, OMIM 613436.

gnomAD v4.1: 3 of 1,614,006 alleles (0.00019%); highest among the groups gnomAD compares: Non-Finnish European, 0.00025%; no homozygotes.

Submission:

Geisinger Autism and Developmental Medicine Institute, Geisinger Health System
Classification: Uncertain significance for Autism, susceptibility to, 17. Last evaluated: 2017-04-04. Review status: criteria provided, single submitter. Criteria: ACMG Guidelines, 2015. Collection method: provider interpretation, clinical testing. Allele origin: paternal. Observed: 1 variant allele.
Comment: Variants, including missense variants, have been identified in other individuals with autism, schizophrenia, and intellectual disability. The variant is absent from population databases. Computational models predict the variant to be probably damaging.

Literature cited by the submitters: PubMed 20473310; PubMed 21994763; PubMed 22346768.